The following is an entry in ClinVar:

ClinVar aggregate classification (germline): Pathogenic (1 of 4 stars; one submission).

Conditions:
CHARGE syndrome (CHARGE). Also called: Hittner Hirsch Kreh syndrome; CHARGE ASSOCIATION--COLOBOMA, HEART ANOMALY, CHOANAL ATRESIA, RETARDATION, GENITAL AND EAR ANOMALIES; Coloboma, heart anomaly, choanal atresia, retardation, genital and ear anomalies; CHARGE association; Hall-Hittner syndrome. Identifiers: Orphanet 138, MedGen C0265354, MONDO:0008965.

Submission:

Rady Children's Institute for Genomic Medicine, Rady Children's Hospital San Diego
Classification: Pathogenic for CHD7-related CHARGE syndrome. Review status: criteria provided, single submitter. Criteria: ACMG Guidelines, 2015. Collection method: clinical testing. Allele origin: germline. Affected: yes.
Comment: This frameshifting variant in exon 12 of 38 introduces a premature stop codon and is therefore predicted to result in loss of normal protein function through either protein truncation or nonsense-mediated mRNA decay (NMD). This variant has not been previously reported or functionally characterized in the literature to our knowledge. It is absent from the gnomAD population database and thus is presumed to be rare. Analysis of the parental samples was negative for the variant, indicating this variant likely occurred as a de novo event. Based on the available evidence, the c.3166del (p.Ile1056PhefsTer15) variant is classified as Pathogenic.

NM_017780.4(CHD7):c.3166del (p.Ile1056fs)

Gene: CHD7 (chromodomain helicase DNA binding protein 7; plus strand). Cytogenetic location: 8q12.2.
Variant type: Deletion.
Coding change: c.3166del on transcript NM_017780.4 (MANE Select); coding-DNA position 3166, one base deleted (A; older notation c.3166delA).
Protein change: p.Ile1056fs; shifts the reading frame from isoleucine 1056.
Molecular consequence: frameshift variant. On other transcripts: intron variant (1).
Genome position (GRCh38, 1-based): chr8:60,822,711, A deleted. VCF-style (leftmost placement, unchanged base first): chr8-60822710-CA-C. GRCh37 (hg19) VCF-style: chr8-61735269-CA-C.
Other names: c.1717-39518del (NM_001316690.1); short protein forms I1056fs.
Identifiers: ClinVar variation 2584408 (VCV002584408.1), dbSNP rs2487812576, ClinGen allele CA2582341675.